The following is an entry in ClinVar:

NM_001114753.3(ENG):c.934del (p.Ala312fs)

Gene: ENG (endoglin; minus strand). Cytogenetic location: 9q34.11.
Variant type: Deletion.
Coding change: c.934del on transcript NM_001114753.3 (MANE Select); coding-DNA position 934, one base deleted (G; older notation c.934delG).
Protein change: p.Ala312fs; shifts the reading frame from alanine 312.
Molecular consequence: frameshift variant.
Genome position (GRCh38, 1-based): chr9:127,824,857, C deleted on the plus strand (G on the coding strand, the reverse complement: ENG is on the minus strand); the first of 2 consecutive C bases (chr9:127,824,857-127,824,858); deleting either gives the same sequence. VCF-style (leftmost placement, unchanged base first): chr9-127824856-GC-G. GRCh37 (hg19) VCF-style: chr9-130587135-GC-G.
Other names: c.934delG (NM_001114753.2, NM_000118.3, NM_001114753.3); c.933delG, p.Ala312Hisfs (NM_000118.4, NM_001406715.1); c.388del, p.Ala130fs (NM_001278138.2); short protein forms A130fs, A312fs.
Identifiers: ClinVar variation 1678571 (VCV001678571.7), dbSNP rs2131886908, ClinGen allele CA1139533027.

ClinVar aggregate classification (germline): Pathogenic. Review status: criteria provided, multiple submitters, no conflicts (2 of 4 stars). 2 submissions from 2 submitters: Pathogenic (2). Last evaluated 2023-03-30.

Conditions:
Telangiectasia, hereditary hemorrhagic, type 1 (HHT1). Also called: Osler Weber Rendu syndrome type 1; ENG-Related Hereditary Hemorrhagic Telangiectasia. Identifiers: Orphanet 774, MedGen C4551861, MONDO:0008535, OMIM 187300. Disease mechanism: loss of function.

Submissions (2):

Molecular Genetics, Royal Melbourne Hospital
Classification: Pathogenic for Telangiectasia, hereditary hemorrhagic, type 1. Last evaluated: 2023-03-30. Review status: criteria provided, single submitter. Criteria: ACMG Guidelines, 2015. Collection method: clinical testing. Allele origin: germline. Affected: yes.
Comment: This sequence change is a deletion of 1 bp in exon 7 (of 15) of ENG that is predicted to create a premature termination codon at position 358 (p.(Ala312Hisfs*47)). It is expected to result in nonsense mediated decay, and loss of function is a well-established mechanism of disease for this gene (ClinVar). The variant is absent in a large population cohort ( gnomAD v2.1 and v3.0). Based on the classification scheme RMH Modified ACMG Guidelines v1.3.0, this variant is classified as PATHOGENIC. Following criteria are met: PVS1, PS4_Supporting, PM2_Supporting.

Victorian Clinical Genetics Services, Murdoch Childrens Research Institute
Classification: Pathogenic for Telangiectasia, hereditary hemorrhagic, type 1. Last evaluated: 2022-02-02. Review status: criteria provided, single submitter. Criteria: ACMG Guidelines, 2015. Collection method: clinical testing. Allele origin: germline. Inheritance: Autosomal dominant inheritance.
Comment: Based on the classification scheme VCGS_Germline_v1.3.4, this variant is classified as Pathogenic. Following criteria are met: 0103 - Dominant negative and loss of function are known mechanisms of disease in this gene and are associated with hereditary haemorrhagic telangiectasia type 1 (MIM#187300). Many protein truncating variants have been reported (PMID: 21158752) and missense variants have been shown to result in both loss of function and dominant negative effects (PMIDs: 25312062, 25080347). (I) 0107 - This gene is associated with autosomal dominant disease. (I) 0201 - Variant is predicted to cause nonsense-mediated decay (NMD) and loss of protein (premature termination codon is located at least 54 nucleotides upstream of the final exon-exon junction). (SP) 0251 - This variant is heterozygous. (I) 0301 - Variant is absent from gnomAD (both v2 and v3). (SP) 0701 – Other variants predicted to cause NMD comparable to the one identified in this case have very strong previous evidence for pathogenicity (ClinVar, DECIPHER). (SP) 0807 - This variant has no previous evidence of pathogenicity. (I) 0905 - No published segregation evidence has been identified for this variant. (I) 1007 - No published functional evidence has been identified for this variant. (I) 1208 - Inheritance information for this variant is not currently available in this individual. (I) Legend: (SP) - Supporting pathogenic, (I) - Information, (SB) - Supporting benign

Literature cited by the submitters: PubMed 21158752 (cited by Victorian Clinical Genetics Services, Murdoch Childrens Research Institute); PubMed 25080347 (cited by Victorian Clinical Genetics Services, Murdoch Childrens Research Institute); PubMed 25312062 (cited by Victorian Clinical Genetics Services, Murdoch Childrens Research Institute).